The following is an entry in ClinVar:

NM_000037.4(ANK1):c.1404+15C>T

Gene: ANK1 (ankyrin 1; minus strand). Cytogenetic location: 8p11.21.
Variant type: single nucleotide variant.
Coding change: c.1404+15C>T on transcript NM_000037.4 (MANE Select); 15 bases into the intron after coding-DNA position 1404, C replaced by T.
Molecular consequence: intron variant.
Genome position (GRCh38, 1-based): chr8:41,716,938, G>A on the plus strand (C>T on the coding strand, the complement: ANK1 is on the minus strand). VCF-style: chr8-41716938-G-A. GRCh37 (hg19) VCF-style: chr8-41574456-G-A.
Other names: c.1503+15C>T (NM_001142446.2); c.1404+15C>T (NM_020477.3, NM_020475.3, NM_020476.3).
Identifiers: ClinVar variation 363030 (VCV000363030.55), dbSNP rs201598401, ClinGen allele CA4728636.
Genomic context (GRCh38, chr8:41,716,938, plus strand): 5'-ATGAGGATGGGTTCTCTGCACAGTGCTGGAACTGCTCACATCTGAAACCCTTCCCTTCCT[G>A]CCTTCACTACTCACCTTGGCCTTGGCATTGACTTTGGCTTTGTTCTGGAGTAAATATTTG-3'

ClinVar aggregate classification (germline): Conflicting classifications of pathogenicity. Review status: criteria provided, conflicting classifications (1 of 4 stars). 6 submissions from 5 submitters: Uncertain significance (2); Benign (1); Likely benign (3). Last evaluated 2025-11-23.

Conditions:
Hereditary spherocytosis type 1. Also called: Spherocytosis type 1; ANK1-Related Spherocytosis. Identifiers: Orphanet 822, MedGen C2674218, MONDO:0008447, OMIM 182900.
Spherocytosis. Identifiers: MedGen C0553720, HP:0004444.

Allele frequency attached by ClinVar (database versions not stated): gnomAD 0.00067; TOPMed 0.00127; ESP Exome Variant Server 0.00192; 1000 Genomes Project 30x 0.00203; 1000 Genomes Project 0.00240.
gnomAD v4.1: 3,137 of 1,612,532 alleles (0.19%); highest among the groups gnomAD compares: South Asian, 0.89%; 17 homozygotes.

Submissions (7):

Labcorp Genetics (formerly Invitae), Labcorp
Classification: Benign. Last evaluated: 2025-11-23. Review status: criteria provided, single submitter. Criteria: Invitae Variant Classification Sherloc (09022015). Collection method: clinical testing. Allele origin: germline.

ARUP Laboratories, Molecular Genetics and Genomics, ARUP Laboratories
Classification: Likely benign for Hereditary spherocytosis type 1. Last evaluated: 2025-05-12. Review status: criteria provided, single submitter. Criteria: ARUP Molecular Germline Variant Investigation Process 2024. Collection method: clinical testing. Allele origin: germline.

CeGaT Center for Human Genetics Tuebingen
Classification: Likely benign. Last evaluated: 2024-10-01. Review status: criteria provided, single submitter. Criteria: CeGaT Center For Human Genetics Tuebingen Variant Classification Criteria Version 2. Collection method: clinical testing. Allele origin: germline. Affected: yes. Observed: 4 variant alleles.
Comment: ANK1: BS2

Mayo Clinic Laboratories, Mayo Clinic
Classification: Uncertain significance. Last evaluated: 2022-09-13. Review status: criteria provided, single submitter. Criteria: ACMG Guidelines, 2015. Collection method: clinical testing. Allele origin: germline. Observed: 11 variant alleles.

Illumina Laboratory Services, Illumina
Classification: Likely benign for Hereditary spherocytosis type 1. Last evaluated: 2018-01-13. Review status: criteria provided, single submitter. Criteria: ICSL Variant Classification Criteria 13 December 2019. Collection method: clinical testing. Allele origin: germline.
Comment: This variant was observed in the ICSL laboratory as part of a predisposition screen in an ostensibly healthy population. It had not been previously curated by ICSL or reported in the Human Gene Mutation Database (HGMD: prior to June 1st, 2018), and was therefore a candidate for classification through an automated scoring system. Utilizing variant allele frequency, disease prevalence and penetrance estimates, and inheritance mode, an automated score was calculated to assess if this variant is too frequent to cause the disease. Based on the score and internal cut-off values, a variant classified as likely benign is not then subjected to further curation. The score for this variant resulted in a classification of likely benign for this disease.

Illumina Laboratory Services, Illumina
Classification: Uncertain significance for Spherocytosis. Last evaluated: 2018-01-13. Review status: criteria provided, single submitter. Criteria: ICSL Variant Classification Criteria 13 December 2019. Collection method: clinical testing. Allele origin: germline.

Dr. Peter K. Rogan Lab, Western University
No classification provided (evidence only). Condition: Ovarian serous cystadenocarcinoma. Review status: no classification provided. Collection method: in vitro. Allele origin: not applicable. Functional consequence: retained intron. Not counted in ClinVar's aggregate classification.